The following is an entry in ClinVar:

ClinVar aggregate classification (germline): Uncertain significance (1 of 4 stars; one submission).

Allele frequency attached by ClinVar (database versions not stated): gnomAD exomes below 0.00001; ExAC 0.00001.
gnomAD v4.1: 6 of 1,611,242 alleles (0.00037%); highest among the groups gnomAD compares: Middle Eastern, 0.017%; no homozygotes.

Submission:

Labcorp Genetics (formerly Invitae), Labcorp
Classification: Uncertain significance. Last evaluated: 2022-06-10. Review status: criteria provided, single submitter. Criteria: Invitae Variant Classification Sherloc (09022015). Collection method: clinical testing. Allele origin: germline.
Comment: Algorithms developed to predict the effect of missense changes on protein structure and function output the following: SIFT: "Deleterious"; PolyPhen-2: "Benign"; Align-GVGD: "Class C45". The serine amino acid residue is found in multiple mammalian species, which suggests that this missense change does not adversely affect protein function. In summary, the available evidence is currently insufficient to determine the role of this variant in disease. Therefore, it has been classified as a Variant of Uncertain Significance. This variant has not been reported in the literature in individuals affected with NBAS-related conditions. This variant is present in population databases (rs768537110, gnomAD 0.0009%). This sequence change replaces asparagine, which is neutral and polar, with serine, which is neutral and polar, at codon 920 of the NBAS protein (p.Asn920Ser).

NM_015909.4(NBAS):c.2759A>G (p.Asn920Ser)

Gene: NBAS (NBAS subunit of NRZ tethering complex; minus strand). Cytogenetic location: 2p24.3.
Variant type: single nucleotide variant.
Coding change: c.2759A>G on transcript NM_015909.4 (MANE Select); coding-DNA position 2759, A replaced by G.
Protein change: p.Asn920Ser; replaces asparagine 920 with serine.
Molecular consequence: missense variant. On other transcripts: non-coding transcript variant (1).
Genome position (GRCh38, 1-based): chr2:15,417,531, T>C on the plus strand (A>G on the coding strand, the complement: NBAS is on the minus strand). VCF-style: chr2-15417531-T-C. GRCh37 (hg19) VCF-style: chr2-15557655-T-C.
Other names: short protein forms N920S.
Identifiers: ClinVar variation 2184998 (VCV002184998.3), dbSNP rs768537110, ClinGen allele CA1536273.